The following is an entry in ClinVar:

NM_006639.4(CYSLTR1):c.68del (p.Asn23fs)

Gene: CYSLTR1 (cysteinyl leukotriene receptor 1; minus strand). Cytogenetic location: Xq21.1.
Variant type: Deletion.
Coding change: c.68del on transcript NM_006639.4 (MANE Select); coding-DNA position 68, one base deleted (A; older notation c.68delA).
Protein change: p.Asn23fs; shifts the reading frame from asparagine 23.
Molecular consequence: frameshift variant.
Genome position (GRCh38, 1-based): chrX:78,273,679, T deleted on the plus strand (A on the coding strand, the reverse complement: CYSLTR1 is on the minus strand); the first of 2 consecutive T bases (chrX:78,273,679-78,273,680); deleting either gives the same sequence. VCF-style (leftmost placement, unchanged base first): chrX-78273678-AT-A. GRCh37 (hg19) VCF-style: chrX-77529175-AT-A.
Other names: c.68del, p.Asn23fs (NM_001282186.2, NM_001282187.2, NM_001282188.2); short protein forms N23fs.
Identifiers: ClinVar variation 161649 (VCV000161649.2), dbSNP rs193920986, ClinGen allele CA174527.

ClinVar aggregate classification (germline): Uncertain significance (0 of 4 stars; one submission).

Conditions:
Prostate cancer. Also called: Malignant tumor of prostate. Identifiers: Orphanet 1331, MedGen C0376358, MONDO:0008315, HP:0012125.

Submission:

Science for Life laboratory,  Karolinska Institutet
Classification: Uncertain significance for Malignant tumor of prostate. Review status: no assertion criteria provided. Collection method: not provided. Allele origin: somatic.
Comment: TumorID:SWE-4
ClinVar note: Converted during submission from Unknown to Uncertain significance.